The following is an entry in ClinVar:

ClinVar aggregate classification (germline): Uncertain significance (1 of 4 stars; one submission).

Allele frequency attached by ClinVar (database versions not stated): TOPMed below 0.00001; gnomAD exomes 0.00001.
gnomAD v4.1: 3 of 1,614,182 alleles (0.00019%); highest among the groups gnomAD compares: Non-Finnish European, 0.00025%; no homozygotes.

Submission:

Labcorp Genetics (formerly Invitae), Labcorp
Classification: Uncertain significance. Last evaluated: 2023-12-18. Review status: criteria provided, single submitter. Criteria: Invitae Variant Classification Sherloc (09022015). Collection method: clinical testing. Allele origin: germline.
Comment: This sequence change replaces aspartic acid, which is acidic and polar, with glycine, which is neutral and non-polar, at codon 814 of the CEP97 protein (p.Asp814Gly). This variant is not present in population databases (gnomAD no frequency). This variant has not been reported in the literature in individuals affected with CEP97-related conditions. Advanced modeling of protein sequence and biophysical properties (such as structural, functional, and spatial information, amino acid conservation, physicochemical variation, residue mobility, and thermodynamic stability) performed at Invitae indicates that this missense variant is not expected to disrupt CEP97 protein function with a negative predictive value of 80%. In summary, the available evidence is currently insufficient to determine the role of this variant in disease. Therefore, it has been classified as a Variant of Uncertain Significance.

NM_024548.4(CEP97):c.2441A>G (p.Asp814Gly)

Gene: CEP97 (centrosomal protein 97; plus strand). Cytogenetic location: 3q12.3.
Variant type: single nucleotide variant.
Coding change: c.2441A>G on transcript NM_024548.4 (MANE Select); coding-DNA position 2441, A replaced by G.
Protein change: p.Asp814Gly; replaces aspartic acid 814 with glycine.
Molecular consequence: missense variant.
Genome position (GRCh38, 1-based): chr3:101,765,394, A>G. VCF-style: chr3-101765394-A-G. GRCh37 (hg19) VCF-style: chr3-101484238-A-G.
Other names: c.2264A>G, p.Asp755Gly (NM_001303401.2); c.2339A>G, p.Asp780Gly (NM_001410784.1); c.2162A>G, p.Asp721Gly (NM_001410785.1); short protein forms D721G, D755G, D814G, D780G.
Identifiers: ClinVar variation 2793579 (VCV002793579.3), dbSNP rs1939290044, ClinGen allele CA353882122.